The following is an entry in ClinVar:

NM_057176.3(BSND):c.478_484dup (p.Val162fs)

Gene: BSND (barttin CLCNK type accessory subunit beta; plus strand). Cytogenetic location: 1p32.3.
Variant type: Duplication.
Coding change: c.478_484dup on transcript NM_057176.3 (MANE Select); coding-DNA positions 478 to 484, 7 bases duplicated (GCTGCCG; older notation c.478_484dupGCTGCCG).
Protein change: p.Val162fs; shifts the reading frame from valine 162.
Molecular consequence: frameshift variant.
Genome position (GRCh38, 1-based): chr1:55,007,202-55,007,208, GCTGCCG duplicated; duplicating any 7 consecutive bases within chr1:55,007,201-55,007,208 gives the same sequence; the c. name uses the placement nearest the transcript's 3' end. VCF-style (leftmost placement, unchanged base first): chr1-55007200-A-AGGCTGCC. GRCh37 (hg19) VCF-style: chr1-55472873-A-AGGCTGCC.
Other names: short protein forms V162fs.
Identifiers: ClinVar variation 4063933 (VCV004063933.2).
Genomic context (GRCh38, chr1:55,007,200, plus strand): 5'-CGAAGCTGGGAACCAGTGATGGAGGAGAAGGTGGCCCTGGCGACGTTCAGGCCTGGATGG[A>AGGCTGCC]GGCTGCCGTGGTCATCCACAAGGGCTCAGACGAGAGTGAAGGGGAAAGACGCCTAACTCA-3'

ClinVar aggregate classification (germline): Likely pathogenic (1 of 4 stars; one submission).

Conditions:
Bartter syndrome. Identifiers: Orphanet 112, MedGen C0004775, MONDO:0015231.

Submission:

Natera, Inc.
Classification: Likely pathogenic for Bartter syndrome. Last evaluated: 2025-01-06. Review status: criteria provided, single submitter. Criteria: Natera Variant Classification Schema (03/2026). Collection method: clinical testing. Allele origin: germline.
Comment: The c.478_484dup variant in BSND is a frameshift variant predicted to shift the reading frame beginning at codon 162 and leads to a stop codon 13 codons downstream. This variant is expected to result in nonsense mediated decay, truncation, or a dysfunctional protein product. This variant is rare in the general population with a frequency below the threshold expected for the associated phenotype(s). Given the available evidence, this variant is classified as Likely Pathogenic.